The following is an entry in ClinVar:

ClinVar aggregate classification (germline): Pathogenic (1 of 4 stars; one submission).

Conditions:
Hereditary nonpolyposis colorectal neoplasms. Identifiers: MedGen C0009405, MeSH D003123.

Submission:

Labcorp Genetics (formerly Invitae), Labcorp
Classification: Pathogenic for Hereditary nonpolyposis colorectal neoplasms. Last evaluated: 2024-07-03. Review status: criteria provided, single submitter. Criteria: Invitae Variant Classification Sherloc (09022015). Collection method: clinical testing. Allele origin: germline.
Comment: This sequence change creates a premature translational stop signal (p.Glu1322Lysfs*16) in the MSH6 gene. While this is not anticipated to result in nonsense mediated decay, it is expected to disrupt the last 39 amino acid(s) of the MSH6 protein. This variant is not present in population databases (gnomAD no frequency). This variant has not been reported in the literature in individuals affected with MSH6-related conditions. This variant disrupts a region of the MSH6 protein in which other variant(s) (p.Leu1330Valfs*12) have been determined to be pathogenic (PMID: 19851887, 21155762). This suggests that this is a clinically significant region of the protein, and that variants that disrupt it are likely to be disease-causing. For these reasons, this variant has been classified as Pathogenic.

Literature cited by the submitters: PubMed 19851887; PubMed 21155762.

NM_000179.3(MSH6):c.3931_3962dup (p.Glu1322fs)

Gene: MSH6 (mutS homolog 6; plus strand). Cytogenetic location: 2p16.3.
Variant type: Duplication.
Coding change: c.3931_3962dup on transcript NM_000179.3 (MANE Select); coding-DNA positions 3931 to 3962, 32 bases duplicated.
Protein change: p.Glu1322fs; shifts the reading frame from glutamic acid 1322.
Molecular consequence: frameshift variant. On other transcripts: non-coding transcript variant (5), intron variant (1), nonsense (1).
Genome position (GRCh38, 1-based): chr2:47,806,581-47,806,612, 32 bases duplicated; duplicating any 32 consecutive bases within chr2:47,806,579-47,806,612 gives the same sequence; the c. name uses the placement nearest the transcript's 3' end. GRCh37 (hg19): chr2:48,033,720-48,033,751.
Other names: c.3541_3572dup, p.Glu1192fs (NM_001281492.2); c.3025_3056dup, p.Glu1020fs (NM_001281493.2, NM_001281494.2, NM_001406823.1 and 6 more transcripts); c.4027_4058dup, p.Glu1354fs (NM_001406795.1); c.3853_3884dup, p.Glu1296fs (NM_001406804.1); c.3634_3665dup, p.Glu1223fs (NM_001406805.1, NM_001406819.1, NM_001406820.1 and 10 more transcripts); c.3406_3437dup, p.Glu1147fs (NM_001406806.1, NM_001406807.1, NM_001406799.1); c.3931_3962dup, p.Glu1322fs (NM_001406808.1, NM_001406809.1, NM_001406796.1); c.1876_1907dup, p.Glu637fs (NM_001407362.1); and 9 more; short protein forms E1192fs, E1266fs, E1322fs, E1354fs, E1020fs, E1223fs, E271fs, E800fs.
Identifiers: ClinVar variation 3680383 (VCV003680383.2).
Genomic context (GRCh38, chr2:47,806,578, plus strand): 5'-ATTAAGGGAGCTTGTCCTAAAAGCTATGGCTTTAATGCAGCAAGGCTTGCTAATCTCCCA[G>GAGGAAGTTATTCAAAAGGGACATAGAAAAGCA]AGGAAGTTATTCAAAAGGGACATAGAAAAGCAAGAGAATTTGAGAAGATGAATCAGTCAC-3'